The following is an entry in ClinVar:

NM_001849.4(COL6A2):c.1021C>A (p.Pro341Thr)

Gene: COL6A2 (collagen type VI alpha 2 chain; plus strand). Cytogenetic location: 21q22.3.
Variant type: single nucleotide variant.
Coding change: c.1021C>A on transcript NM_001849.4 (MANE Select); coding-DNA position 1021, C replaced by A.
Protein change: p.Pro341Thr; replaces proline 341 with threonine.
Molecular consequence: missense variant.
Genome position (GRCh38, 1-based): chr21:46,117,421, C>A. VCF-style: chr21-46117421-C-A. GRCh37 (hg19) VCF-style: chr21-47537335-C-A.
Other names: c.1021C>A, p.Pro341Thr (NM_058174.3, NM_058175.3); short protein forms P341T.
Identifiers: ClinVar variation 2572201 (VCV002572201.1), dbSNP rs2078489585, ClinGen allele CA410527339.

ClinVar aggregate classification (germline): Likely pathogenic (1 of 4 stars; one submission).

Conditions:
Ullrich congenital muscular dystrophy 1A. Also called: Ullrich congenital muscular dystrophy 1; Intermediate COL6-RD. Identifiers: Orphanet 75840, MedGen C0410179, MONDO:0009681, OMIM 254090.

Submission:

Greenwood Genetic Center Diagnostic Laboratories, Greenwood Genetic Center
Classification: Likely pathogenic for Ullrich congenital muscular dystrophy 1A. Last evaluated: 2023-05-09. Review status: criteria provided, single submitter. Criteria: ACMG Guidelines, 2015. Collection method: clinical testing. Allele origin: germline. Affected: yes.
Comment: PS2, PM2